The following is an entry in ClinVar:

ClinVar aggregate classification (germline): Likely pathogenic (1 of 4 stars; one submission).

Conditions:
Phenylketonuria (PKU). Also called: OLIGOPHRENIA PHENYLPYRUVICA; Phenylketonurias; Phenylketonuria (PKU); FOLLING DISEASE. Identifiers: Orphanet 716, MedGen C0031485, MONDO:0009861, OMIM 261600. Disease mechanism: loss of function.

Allele frequency attached by ClinVar (database versions not stated): gnomAD 0.00001; 1000 Genomes Project 30x 0.00016; 1000 Genomes Project 0.00020.
gnomAD v4.1: 1 of 1,613,696 alleles (0.000062%); highest among the groups gnomAD compares: South Asian, 0.0011%; no homozygotes.

Submission:

Labcorp Genetics (formerly Invitae), Labcorp
Classification: Likely pathogenic for Phenylketonuria. Last evaluated: 2021-11-11. Review status: criteria provided, single submitter. Criteria: Invitae Variant Classification Sherloc (09022015). Collection method: clinical testing. Allele origin: germline.
Comment: This sequence change replaces alanine, which is neutral and non-polar, with valine, which is neutral and non-polar, at codon 156 of the PAH protein (p.Ala156Val). This variant is not present in population databases (gnomAD no frequency). This variant has not been reported in the literature in individuals affected with PAH-related conditions. Advanced modeling of protein sequence and biophysical properties (such as structural, functional, and spatial information, amino acid conservation, physicochemical variation, residue mobility, and thermodynamic stability) performed at Invitae indicates that this missense variant is expected to disrupt PAH protein function. This variant disrupts the p.Ala156 amino acid residue in PAH. Other variant(s) that disrupt this residue have been determined to be pathogenic (PMID: 24327145, 28982351). This suggests that this residue is clinically significant, and that variants that disrupt this residue are likely to be disease-causing. In summary, the currently available evidence indicates that the variant is pathogenic, but additional data are needed to prove that conclusively. Therefore, this variant has been classified as Likely Pathogenic.

Literature cited by the submitters: PubMed 24327145; PubMed 28982351.

NM_000277.3(PAH):c.467C>T (p.Ala156Val)

Gene: PAH (phenylalanine hydroxylase; minus strand). Cytogenetic location: 12q23.2.
Variant type: single nucleotide variant.
Coding change: c.467C>T on transcript NM_000277.3 (MANE Select); coding-DNA position 467, C replaced by T.
Protein change: p.Ala156Val; replaces alanine 156 with valine.
Molecular consequence: missense variant.
Genome position (GRCh38, 1-based): chr12:102,866,638, G>A on the plus strand (C>T on the coding strand, the complement: PAH is on the minus strand). VCF-style: chr12-102866638-G-A. GRCh37 (hg19) VCF-style: chr12-103260416-G-A.
Other names: c.467C>T, p.Ala156Val (NM_001354304.2); short protein forms A156V.
Identifiers: ClinVar variation 1465203 (VCV001465203.3), dbSNP rs570748767, ClinGen allele CA242485507.
Genomic context (GRCh38, chr12:102,866,638, plus strand): 5'-CAAGCAAGGCAGACTTACTGGCGGTAGTTGTAGGCAATGTCAGCAAACTGCTTCCGTCTT[G>A]CACGGTACACAGGATCTTTAAAACCCTAGGAGAAAAGAGACACCTGATTTTTCAAGGCTT-3'
Protein context (NP_000268.1, residues 146-166): HPGFKDPVYR[Ala156Val]RRKQFADIAY